The following is an entry in ClinVar:

NM_001106.4(ACVR2B):c.*3758A>G

Gene: ACVR2B (activin A receptor type 2B; plus strand). Cytogenetic location: 3p22.2.
Variant type: single nucleotide variant.
Coding change: c.*3758A>G on transcript NM_001106.4 (MANE Select); 3758 bases downstream of the stop codon, A replaced by G.
Molecular consequence: 3 prime UTR variant.
Genome position (GRCh38, 1-based): chr3:38,487,090, A>G. VCF-style: chr3-38487090-A-G. GRCh37 (hg19) VCF-style: chr3-38528581-A-G.
Identifiers: ClinVar variation 900400 (VCV000900400.4), dbSNP rs185712997, ClinGen allele CA72931783.
Genomic context (GRCh38, chr3:38,487,090, plus strand): 5'-GCTGCAAGTGGGCTGTGCTTAGGAGAAAGTGACACCTGGCAGTGAGGGAAGATGGTGAGC[A>G]TTATTAGCCTTTGTTGTCCAGCATGGCCTTCTTGTCCTGTCTGCTCTGGAGAGGAGCCTG-3'

ClinVar aggregate classification (germline): Likely benign (1 of 4 stars; one submission).

Conditions:
Heterotaxy, visceral, 4, autosomal (HTX4). Identifiers: Orphanet 450, MedGen C3151057, MONDO:0013403, OMIM 613751.

Allele frequency attached by ClinVar (database versions not stated): TOPMed 0.00005; gnomAD 0.00006 and 0.00007; 1000 Genomes Project 30x 0.00031; 1000 Genomes Project 0.00040.

Submission:

Illumina Laboratory Services, Illumina
Classification: Likely benign for Heterotaxy, visceral, 4, autosomal. Last evaluated: 2018-01-13. Review status: criteria provided, single submitter. Criteria: ICSL Variant Classification Criteria 13 December 2019. Collection method: clinical testing. Allele origin: germline.
Comment: This variant was observed in the ICSL laboratory as part of a predisposition screen in an ostensibly healthy population. It had not been previously curated by ICSL or reported in the Human Gene Mutation Database (HGMD: prior to June 1st, 2018), and was therefore a candidate for classification through an automated scoring system. Utilizing variant allele frequency, disease prevalence and penetrance estimates, and inheritance mode, an automated score was calculated to assess if this variant is too frequent to cause the disease. Based on the score and internal cut-off values, a variant classified as likely benign is not then subjected to further curation. The score for this variant resulted in a classification of likely benign for this disease.